The following is an entry in ClinVar:

ClinVar aggregate classification (germline): Uncertain significance (1 of 4 stars; one submission).

Conditions:
Hereditary cancer-predisposing syndrome. Also called: Tumor predisposition; Neoplastic Syndromes, Hereditary; Hereditary neoplastic syndrome; Hereditary Cancer Syndrome. Identifiers: Orphanet 140162, MedGen C0027672, MeSH D009386, MONDO:0015356.

Submission:

Ambry Genetics
Classification: Uncertain significance for Hereditary cancer-predisposing syndrome. Last evaluated: 2025-07-17. Review status: criteria provided, single submitter. Criteria: Ambry Variant Classification Scheme 2023. Collection method: clinical testing. Allele origin: germline.
Comment: The p.Y366H variant (also known as c.1096T>C), located in coding exon 4 of the MSH6 gene, results from a T to C substitution at nucleotide position 1096. The tyrosine at codon 366 is replaced by histidine, an amino acid with similar properties. This amino acid position is not well conserved in available vertebrate species. In addition, this alteration is predicted to be tolerated by in silico analysis. Based on the available evidence, the clinical significance of this variant remains unclear.

NM_000179.3(MSH6):c.1096T>C (p.Tyr366His)

Gene: MSH6 (mutS homolog 6; plus strand). Cytogenetic location: 2p16.3.
Variant type: single nucleotide variant.
Coding change: c.1096T>C on transcript NM_000179.3 (MANE Select); coding-DNA position 1096, T replaced by C.
Protein change: p.Tyr366His; replaces tyrosine 366 with histidine.
Molecular consequence: missense variant. On other transcripts: non-coding transcript variant (4), intron variant (1).
Genome position (GRCh38, 1-based): chr2:47,799,079, T>C. VCF-style: chr2-47799079-T-C. GRCh37 (hg19) VCF-style: chr2-48026218-T-C.
Other names: c.799T>C, p.Tyr267His (NM_001406805.1, NM_001406818.1, NM_001406819.1 and 10 more transcripts); c.571T>C, p.Tyr191His (NM_001406806.1, NM_001406807.1, NM_001406799.1); c.1096T>C, p.Tyr366His (NM_001406808.1, NM_001406809.1, NM_001406817.1 and 4 more transcripts); c.190T>C, p.Tyr64His (NM_001406811.1, NM_001406812.1, NM_001406814.1 and 6 more transcripts); c.1102T>C, p.Tyr368His (NM_001406813.1); c.706T>C, p.Tyr236His (NM_001281492.2); c.1018T>C, p.Tyr340His (NM_001406804.1); c.928T>C, p.Tyr310His (NM_001406826.1); and 2 more; short protein forms Y310H, Y340H, Y191H, Y267H, Y368H, Y398H, Y64H, Y236H.
Identifiers: ClinVar variation 4111198 (VCV004111198.1).